The following is an entry in ClinVar:

ClinVar aggregate classification (germline): Likely benign (1 of 4 stars; one submission).

Allele frequency attached by ClinVar (database versions not stated): 1000 Genomes Project 30x 0.01608; 1000 Genomes Project 0.01657; gnomAD 0.02232 and 0.02265; TOPMed 0.02285.
gnomAD v4.1: 3,444 of 152,326 alleles (2.3%); highest among the groups gnomAD compares: Non-Finnish European, 3.5%; 64 homozygotes.

Submission:

GeneDx
Classification: Likely benign. Last evaluated: 2018-06-18. Review status: criteria provided, single submitter. Criteria: GeneDx Variant Classification (06012015). Collection method: clinical testing. Allele origin: germline. Affected: yes.
Comment: This variant is considered likely benign or benign based on one or more of the following criteria: it is a conservative change, it occurs at a poorly conserved position in the protein, it is predicted to be benign by multiple in silico algorithms, and/or has population frequency not consistent with disease.

NM_000368.5(TSC1):c.1334-174T>C

Gene: TSC1 (TSC complex subunit 1; minus strand). Cytogenetic location: 9q34.13.
Variant type: single nucleotide variant.
Coding change: c.1334-174T>C on transcript NM_000368.5 (MANE Select); 174 bases into the intron before coding-DNA position 1334, T replaced by C.
Molecular consequence: intron variant.
Genome position (GRCh38, 1-based): chr9:132,907,009, A>G on the plus strand (T>C on the coding strand, the complement: TSC1 is on the minus strand). VCF-style: chr9-132907009-A-G. GRCh37 (hg19) VCF-style: chr9-135782396-A-G.
Other names: c.971-174T>C (NM_001362177.2); c.1181-174T>C (NM_001162427.2); c.1331-174T>C (NM_001162426.2).
Identifiers: ClinVar variation 677816 (VCV000677816.1), dbSNP rs117147322, ClinGen allele CA200889820.